The following is an entry in ClinVar:

ClinVar aggregate classification (germline): Uncertain significance (1 of 4 stars; one submission).

gnomAD v4.1: 55 of 1,614,082 alleles (0.0034%); highest among the groups gnomAD compares: Non-Finnish European, 0.0046%; no homozygotes.

Submission:

GeneDx
Classification: Uncertain significance. Last evaluated: 2025-05-02. Review status: criteria provided, single submitter. Criteria: GeneDx Variant Classification Process June 2021. Collection method: clinical testing. Allele origin: germline. Affected: yes.
Comment: Not observed at significant frequency in large population cohorts (gnomAD); In silico analysis suggests that this missense variant does not alter protein structure/function; Has not been previously published as pathogenic or benign to our knowledge

NM_206933.4(USH2A):c.14495T>A (p.Leu4832Gln)

Gene: USH2A (usherin; minus strand). Cytogenetic location: 1q41.
Variant type: single nucleotide variant.
Coding change: c.14495T>A on transcript NM_206933.4 (MANE Select); coding-DNA position 14495, T replaced by A.
Protein change: p.Leu4832Gln; replaces leucine 4832 with glutamine.
Molecular consequence: missense variant.
Genome position (GRCh38, 1-based): chr1:215,648,615, A>T on the plus strand (T>A on the coding strand, the complement: USH2A is on the minus strand). VCF-style: chr1-215648615-A-T. GRCh37 (hg19) VCF-style: chr1-215821957-A-T.
Other names: short protein forms L4832Q.
Identifiers: ClinVar variation 4527741 (VCV004527741.1).